The following is an entry in ClinVar:

ClinVar aggregate classification (germline): Uncertain significance (1 of 4 stars; one submission).

gnomAD v4.1: 1 of 1,614,114 alleles (0.000062%); highest among the groups gnomAD compares: African/African-American, 0.0013%; no homozygotes.

Submission:

GeneDx
Classification: Uncertain significance. Last evaluated: 2024-10-25. Review status: criteria provided, single submitter. Criteria: GeneDx Variant Classification Process June 2021. Collection method: clinical testing. Allele origin: germline. Affected: yes.
Comment: Not observed at significant frequency in large population cohorts (gnomAD); In silico analysis supports that this missense variant has a deleterious effect on protein structure/function; Has not been previously published as pathogenic or benign to our knowledge; This variant is associated with the following publications: (PMID: 12668474)

NM_000540.3(RYR1):c.9243G>A (p.Met3081Ile)

Gene: RYR1 (ryanodine receptor 1; plus strand). Cytogenetic location: 19q13.2.
Variant type: single nucleotide variant.
Coding change: c.9243G>A on transcript NM_000540.3 (MANE Select); coding-DNA position 9243, G replaced by A.
Protein change: p.Met3081Ile; replaces methionine 3081 with isoleucine.
Molecular consequence: missense variant.
Genome position (GRCh38, 1-based): chr19:38,512,254, G>A. VCF-style: chr19-38512254-G-A. GRCh37 (hg19) VCF-style: chr19-39002894-G-A.
Other names: c.9243G>A, p.Met3081Ile (NM_001042723.2); short protein forms M3081I.
Identifiers: ClinVar variation 3893496 (VCV003893496.1).